The following is an entry in ClinVar:

ClinVar aggregate classification (germline): Uncertain significance. Review status: criteria provided, multiple submitters, no conflicts (2 of 4 stars). 2 submissions from 2 submitters: Uncertain significance (2). Last evaluated 2026-08-01.

Conditions:
Lethal multiple pterygium syndrome (LMPS). Identifiers: Orphanet 33108, MedGen C1854678, MONDO:0009668, OMIM 253290.

Allele frequency attached by ClinVar (database versions not stated): gnomAD exomes below 0.00001.
gnomAD v4.1: 1 of 1,614,024 alleles (0.000062%); highest among the groups gnomAD compares: Non-Finnish European, 0.000085%; no homozygotes.

Submissions (2):

CeGaT Center for Human Genetics Tuebingen
Classification: Uncertain significance. Last evaluated: 2026-08-01. Review status: criteria provided, single submitter. Criteria: CeGaT Center For Human Genetics Tuebingen Variant Classification Criteria Version 2. Collection method: clinical testing. Allele origin: germline. Affected: yes. Observed: 1 variant allele.
Comment: CHRND: PM2

Labcorp Genetics (formerly Invitae), Labcorp
Classification: Uncertain significance for Lethal multiple pterygium syndrome. Last evaluated: 2025-06-10. Review status: criteria provided, single submitter. Criteria: Invitae Variant Classification Sherloc (09022015). Collection method: clinical testing. Allele origin: germline.
Comment: This sequence change replaces lysine, which is basic and polar, with glutamic acid, which is acidic and polar, at codon 177 of the CHRND protein (p.Lys177Glu). This variant is not present in population databases (gnomAD no frequency). This variant has not been reported in the literature in individuals affected with CHRND-related conditions. ClinVar contains an entry for this variant (Variation ID: 1000134). Invitae Evidence Modeling of protein sequence and biophysical properties (such as structural, functional, and spatial information, amino acid conservation, physicochemical variation, residue mobility, and thermodynamic stability) indicates that this missense variant is not expected to disrupt CHRND protein function with a negative predictive value of 95%. In summary, the available evidence is currently insufficient to determine the role of this variant in disease. Therefore, it has been classified as a Variant of Uncertain Significance.

NM_000751.3(CHRND):c.529A>G (p.Lys177Glu)

Gene: CHRND (cholinergic receptor nicotinic delta subunit; plus strand). Cytogenetic location: 2q37.1.
Variant type: single nucleotide variant.
Coding change: c.529A>G on transcript NM_000751.3 (MANE Select); coding-DNA position 529, A replaced by G.
Protein change: p.Lys177Glu; replaces lysine 177 with glutamic acid.
Molecular consequence: missense variant. On other transcripts: intron variant (1).
Genome position (GRCh38, 1-based): chr2:232,528,881, A>G. VCF-style: chr2-232528881-A-G. GRCh37 (hg19) VCF-style: chr2-233393591-A-G.
Other names: c.484A>G, p.Lys162Glu (NM_001256657.2); c.226A>G, p.Lys76Glu (NM_001311196.2); c.238+225A>G (NM_001311195.2); short protein forms K162E, K177E, K76E.
Identifiers: ClinVar variation 1000134 (VCV001000134.9), dbSNP rs1691581371, ClinGen allele CA350998818.